The following is an entry in ClinVar:

NM_144666.3(DNHD1):c.2758A>G (p.Ser920Gly)

Gene: DNHD1 (dynein heavy chain domain 1; plus strand). Cytogenetic location: 11p15.4.
Variant type: single nucleotide variant.
Coding change: c.2758A>G on transcript NM_144666.3 (MANE Select); coding-DNA position 2758, A replaced by G.
Protein change: p.Ser920Gly; replaces serine 920 with glycine.
Molecular consequence: missense variant.
Genome position (GRCh38, 1-based): chr11:6,533,933, A>G. VCF-style: chr11-6533933-A-G. GRCh37 (hg19) VCF-style: chr11-6555163-A-G.
Other names: short protein forms S920G.
Identifiers: ClinVar variation 3350320 (VCV003350320.1).

ClinVar aggregate classification (germline): Uncertain significance (0 of 4 stars; one submission).

Conditions:
DNHD1-related disorder. Also called: DNHD1-related condition.

gnomAD v4.1: 706 of 1,551,370 alleles (0.046%); highest among the groups gnomAD compares: Non-Finnish European, 0.057%; 2 homozygotes.

Submission:

PreventionGenetics, part of Exact Sciences
Classification: Uncertain significance for DNHD1-related condition. Last evaluated: 2024-05-09. Review status: no assertion criteria provided. Collection method: clinical testing. Allele origin: germline.
Comment: The DNHD1 c.2758A>G variant is predicted to result in the amino acid substitution p.Ser920Gly. To our knowledge, this variant has not been reported in the literature. This variant is reported in 0.069% of alleles in individuals of European (Non-Finnish) descent in gnomAD, which may be too common to be a primary cause of disease. Although we suspect this variant may benign, at this time, the clinical significance of this variant is uncertain due to the absence of conclusive functional and genetic evidence.